The following is an entry in ClinVar:

ClinVar aggregate classification (germline): Uncertain significance (1 of 4 stars; one submission).

Conditions:
Bardet-Biedl syndrome (BBS). Identifiers: Orphanet 110, MedGen C0752166, MONDO:0015229.

Allele frequency attached by ClinVar (database versions not stated): gnomAD exomes below 0.00001.
gnomAD v4.1: 3 of 1,614,214 alleles (0.00019%); highest among the groups gnomAD compares: Non-Finnish European, 0.00025%; no homozygotes.

Submission:

Labcorp Genetics (formerly Invitae), Labcorp
Classification: Uncertain significance for Bardet-Biedl syndrome. Last evaluated: 2022-08-19. Review status: criteria provided, single submitter. Criteria: Invitae Variant Classification Sherloc (09022015). Collection method: clinical testing. Allele origin: germline.
Comment: This sequence change replaces lysine, which is basic and polar, with methionine, which is neutral and non-polar, at codon 84 of the TRIM32 protein (p.Lys84Met). This variant is present in population databases (no rsID available, gnomAD 0.0009%). This variant has not been reported in the literature in individuals affected with TRIM32-related conditions. Algorithms developed to predict the effect of missense changes on protein structure and function (SIFT, PolyPhen-2, Align-GVGD) all suggest that this variant is likely to be disruptive. In summary, the available evidence is currently insufficient to determine the role of this variant in disease. Therefore, it has been classified as a Variant of Uncertain Significance.

NM_012210.4(TRIM32):c.251A>T (p.Lys84Met)

Genes: ASTN2 (astrotactin 2; minus strand), TRIM32 (tripartite motif containing 32; plus strand). Cytogenetic location: 9q33.1.
Variant type: single nucleotide variant.
Coding change: c.251A>T on transcript NM_012210.4 (MANE Select); coding-DNA position 251, A replaced by T.
Protein change: p.Lys84Met; replaces lysine 84 with methionine.
Molecular consequence: missense variant. On other transcripts: intron variant (3).
Genome position (GRCh38, 1-based): chr9:116,697,993, A>T. VCF-style: chr9-116697993-A-T. GRCh37 (hg19) VCF-style: chr9-119460272-A-T.
Other names: c.251A>T, p.Lys84Met (NM_001099679.2, NM_001379048.1, NM_001379049.1 and 1 more transcripts); c.2653+27778T>A (NM_014010.5); c.2794+27778T>A (NM_001365069.1); c.2806+27778T>A (NM_001365068.1); short protein forms K84M.
Identifiers: ClinVar variation 2194857 (VCV002194857.1), dbSNP rs1408140067, ClinGen allele CA374647885.
Genomic context (GRCh38, chr9:116,697,993, plus strand): 5'-GCAGCAAGATTACCCGCATAACCAGCTTGACCCAGCTGACAGACAATCTGACAGTGCTAA[A>T]GATCATTGATACAGCTGGGCTCAGCGAGGCTGTGGGGCTGCTCATGTGTCGGTCCTGTGG-3'
Protein context (NP_036342.2, residues 74-94): TQLTDNLTVL[Lys84Met]IIDTAGLSEA